The following is an entry in ClinVar:

ClinVar aggregate classification (germline): Uncertain significance (1 of 4 stars; one submission).

Conditions:
Familial thoracic aortic aneurysm and aortic dissection (TAAD). Also called: Thoracic aortic aneurysms and dissections. Identifiers: Orphanet 91387, MedGen C4707243, MONDO:0019625.

Submission:

Ambry Genetics
Classification: Uncertain significance for Familial thoracic aortic aneurysm and aortic dissection. Last evaluated: 2025-10-27. Review status: criteria provided, single submitter. Criteria: Ambry Variant Classification Scheme 2023. Collection method: clinical testing. Allele origin: germline.
Comment: The p.G270E variant (also known as c.809G>A), located in coding exon 6 of the PRKG1 gene, results from a G to A substitution at nucleotide position 809. The glycine at codon 270 is replaced by glutamic acid, an amino acid with similar properties. This amino acid position is conserved. In addition, this alteration is predicted to be deleterious by in silico analysis. Based on the available evidence, the clinical significance of this variant remains unclear.

NM_006258.4(PRKG1):c.809G>A (p.Gly270Glu)

Gene: PRKG1 (protein kinase cGMP-dependent 1; plus strand). Cytogenetic location: 10q21.1.
Variant type: single nucleotide variant.
Coding change: c.809G>A on transcript NM_006258.4 (MANE Select); coding-DNA position 809, G replaced by A.
Protein change: p.Gly270Glu; replaces glycine 270 with glutamic acid.
Molecular consequence: missense variant. On other transcripts: 5 prime UTR variant (1).
Genome position (GRCh38, 1-based): chr10:52,054,530, G>A. VCF-style: chr10-52054530-G-A. GRCh37 (hg19) VCF-style: chr10-53814290-G-A.
Other names: c.764G>A, p.Gly255Glu (NM_001098512.3); c.-401G>A (NM_001374781.1); c.809G>A, p.Gly270Glu (NM_001374782.1); short protein forms G270E, G255E.
Identifiers: ClinVar variation 4635527 (VCV004635527.1).